The following is an entry in ClinVar:

ClinVar aggregate classification (germline): Benign/Likely benign. Review status: criteria provided, multiple submitters, no conflicts (2 of 4 stars). 3 submissions from 3 submitters: Benign (1); Likely benign (2). Last evaluated 2024-12-26.

Conditions:
Hereditary cancer-predisposing syndrome. Also called: Tumor predisposition; Hereditary neoplastic syndrome; Neoplastic Syndromes, Hereditary; Hereditary Cancer Syndrome. Identifiers: Orphanet 140162, MedGen C0027672, MeSH D009386, MONDO:0015356.
Hereditary nonpolyposis colorectal neoplasms. Identifiers: MedGen C0009405, MeSH D003123.
Lynch syndrome 5 (LYNCH5). Also called: Colorectal cancer, hereditary nonpolyposis, type 5; Hereditary non-polyposis colorectal cancer, type 5. Identifiers: Orphanet 144, MedGen C1833477, MONDO:0013710, OMIM 614350. Disease mechanism: loss of function.

Submissions (3):

Myriad Genetics, Inc.
Classification: Benign for Lynch syndrome 5. Last evaluated: 2024-12-26. Review status: criteria provided, single submitter. Criteria: Myriad Autosomal Dominant, Autosomal Recessive and X-Linked Classification Criteria (2023). Collection method: clinical testing. Allele origin: unknown.
Comment: This variant is considered benign. This variant is a silent/synonymous amino acid change and it is not expected to impact splicing.

Labcorp Genetics (formerly Invitae), Labcorp
Classification: Likely benign for Hereditary nonpolyposis colorectal neoplasms. Last evaluated: 2024-12-16. Review status: criteria provided, single submitter. Criteria: Invitae Variant Classification Sherloc (09022015). Collection method: clinical testing. Allele origin: germline.

Ambry Genetics
Classification: Likely benign for Hereditary cancer-predisposing syndrome. Last evaluated: 2024-06-25. Review status: criteria provided, single submitter. Criteria: Ambry Variant Classification Scheme 2023. Collection method: clinical testing. Allele origin: germline.

NM_000179.3(MSH6):c.1417C>T (p.Leu473=)

Gene: MSH6 (mutS homolog 6; plus strand). Cytogenetic location: 2p16.3.
Variant type: single nucleotide variant.
Coding change: c.1417C>T on transcript NM_000179.3 (MANE Select); coding-DNA position 1417, C replaced by T.
Protein change: p.Leu473=; no amino-acid change (leucine 473 retained).
Molecular consequence: synonymous variant.
Genome position (GRCh38, 1-based): chr2:47,799,400, C>T. VCF-style: chr2-47799400-C-T. GRCh37 (hg19) VCF-style: chr2-48026539-C-T.
Other names: c.1417C>T (NM_000179.2); c.1027C>T, p.Leu343= (NM_001281492.2); c.511C>T, p.Leu171= (NM_001281493.2, NM_001281494.2).
Identifiers: ClinVar variation 1606310 (VCV001606310.10), dbSNP rs1060502924, ClinGen allele CA426121181.